The following is an entry in ClinVar:

ClinVar aggregate classification (germline): Uncertain significance (1 of 4 stars; one submission).

Conditions:
Hereditary cancer-predisposing syndrome. Also called: Neoplastic Syndromes, Hereditary; Tumor predisposition; Hereditary Cancer Syndrome; Hereditary neoplastic syndrome. Identifiers: Orphanet 140162, MedGen C0027672, MeSH D009386, MONDO:0015356.

Submission:

Ambry Genetics
Classification: Uncertain significance for Hereditary cancer-predisposing syndrome. Last evaluated: 2026-04-29. Review status: criteria provided, single submitter. Criteria: Ambry Variant Classification Scheme 2023. Collection method: clinical testing. Allele origin: germline.
Comment: The p.G214D variant (also known as c.641G>A), located in coding exon 2 of the MEN1 gene, results from a G to A substitution at nucleotide position 641. The glycine at codon 214 is replaced by aspartic acid, an amino acid with similar properties. This amino acid position is conserved. In addition, this alteration is predicted to be deleterious by in silico analysis. Based on the available evidence, the clinical significance of this variant remains unclear.

NM_001370259.2(MEN1):c.641G>A (p.Gly214Asp)

Gene: MEN1 (menin 1; minus strand). Cytogenetic location: 11q13.1.
Variant type: single nucleotide variant.
Coding change: c.641G>A on transcript NM_001370259.2 (MANE Select); coding-DNA position 641, G replaced by A.
Protein change: p.Gly214Asp; replaces glycine 214 with aspartic acid.
Molecular consequence: missense variant. On other transcripts: non-coding transcript variant (4), intron variant (5).
Genome position (GRCh38, 1-based): chr11:64,807,904, C>T on the plus strand (G>A on the coding strand, the complement: MEN1 is on the minus strand). VCF-style: chr11-64807904-C-T. GRCh37 (hg19) VCF-style: chr11-64575376-C-T.
Other names: c.641G>A, p.Gly214Asp (NM_001407147.1, NM_001407152.1, NM_130799.3 and 7 more transcripts); c.656G>A, p.Gly219Asp (NM_001407150.1, NM_130800.3, NM_130801.3 and 5 more transcripts); c.549+92G>A (NM_001407148.1, NM_001407149.1, NM_001407151.1 and 2 more transcripts); short protein forms G214D, G219D.
Identifiers: ClinVar variation 4106583 (VCV004106583.2).